The following is an entry in ClinVar:

NM_001194.4(HCN2):c.1171C>T (p.Leu391=)

Gene: HCN2 (hyperpolarization activated cyclic nucleotide gated potassium and sodium channel 2; plus strand). Cytogenetic location: 19p13.3.
Variant type: single nucleotide variant.
Coding change: c.1171C>T on transcript NM_001194.4 (MANE Select); coding-DNA position 1171, C replaced by T.
Protein change: p.Leu391=; no amino-acid change (leucine 391 retained).
Molecular consequence: synonymous variant.
Genome position (GRCh38, 1-based): chr19:605,175, C>T. VCF-style: chr19-605175-C-T. GRCh37 (hg19) VCF-style: chr19-605175-C-T.
Identifiers: ClinVar variation 3042740 (VCV003042740.3), dbSNP rs200053654, ClinGen allele CA9018339.

ClinVar aggregate classification (germline): Likely benign. Review status: criteria provided, single submitter (1 of 4 stars). 2 submissions from 2 submitters: Likely benign (1). 1 of the submissions does not count toward it. Last evaluated 2024-11-25.

Conditions:
HCN2-related disorder. Also called: HCN2-related condition.

Allele frequency attached by ClinVar (database versions not stated): ExAC 0.00022; TOPMed 0.00002; gnomAD exomes 0.00010; gnomAD 0.00003.

Submissions (2):

Blueprint Genetics
Classification: Likely benign. Last evaluated: 2024-11-25. Review status: criteria provided, single submitter. Criteria: ACMG Guidelines, 2015. Collection method: clinical testing. Allele origin: germline.

PreventionGenetics, part of Exact Sciences
Classification: Likely benign for HCN2-related condition. Last evaluated: 2019-06-27. Review status: no assertion criteria provided. Collection method: clinical testing. Allele origin: germline. Not counted in ClinVar's aggregate classification.
Comment: This variant is classified as likely benign based on ACMG/AMP sequence variant interpretation guidelines (Richards et al. 2015 PMID: 25741868, with internal and published modifications).